The following is an entry in ClinVar:

NM_001134363.3(RBM20):c.2495A>T (p.Asp832Val)

Gene: RBM20 (RNA binding motif protein 20; plus strand). Cytogenetic location: 10q25.2.
Variant type: single nucleotide variant.
Coding change: c.2495A>T on transcript NM_001134363.3 (MANE Select); coding-DNA position 2495, A replaced by T.
Protein change: p.Asp832Val; replaces aspartic acid 832 with valine.
Molecular consequence: missense variant.
Genome position (GRCh38, 1-based): chr10:110,812,892, A>T. VCF-style: chr10-110812892-A-T. GRCh37 (hg19) VCF-style: chr10-112572650-A-T.
Other names: short protein forms D832V.
Identifiers: ClinVar variation 4749472 (VCV004749472.1).

ClinVar aggregate classification (germline): Uncertain significance (1 of 4 stars; one submission).

Conditions:
Dilated cardiomyopathy 1DD (CMD1DD). Identifiers: Orphanet 154, MedGen C2750995, MONDO:0013168, OMIM 613172.

Submission:

Labcorp Genetics (formerly Invitae), Labcorp
Classification: Uncertain significance for Dilated cardiomyopathy 1DD. Last evaluated: 2025-09-02. Review status: criteria provided, single submitter. Criteria: Invitae Variant Classification Sherloc (09022015). Collection method: clinical testing. Allele origin: germline.
Comment: This sequence change replaces aspartic acid, which is acidic and polar, with valine, which is neutral and non-polar, at codon 832 of the RBM20 protein (p.Asp832Val). This variant is not present in population databases (gnomAD no frequency). This variant has not been reported in the literature in individuals affected with RBM20-related conditions. Invitae Evidence Modeling of protein sequence and biophysical properties (such as structural, functional, and spatial information, amino acid conservation, physicochemical variation, residue mobility, and thermodynamic stability) indicates that this missense variant is not expected to disrupt RBM20 protein function with a negative predictive value of 95%. In summary, the available evidence is currently insufficient to determine the role of this variant in disease. Therefore, it has been classified as a Variant of Uncertain Significance.